The following is an entry in ClinVar:

NM_001257096.2(PAX1):c.856T>G (p.Trp286Gly)

Gene: PAX1 (paired box 1; plus strand). Cytogenetic location: 20p11.22.
Variant type: single nucleotide variant.
Coding change: c.856T>G on transcript NM_001257096.2 (MANE Select); coding-DNA position 856, T replaced by G.
Protein change: p.Trp286Gly; replaces tryptophan 286 with glycine.
Molecular consequence: missense variant.
Genome position (GRCh38, 1-based): chr20:21,707,007, T>G. VCF-style: chr20-21707007-T-G. GRCh37 (hg19) VCF-style: chr20-21687645-T-G.
Other names: c.856T>G, p.Trp286Gly (NM_006192.5); short protein forms W286G.
Identifiers: ClinVar variation 2130703 (VCV002130703.4), dbSNP rs2514802194, ClinGen allele CA408498852.

ClinVar aggregate classification (germline): Uncertain significance (1 of 4 stars; one submission).

Submission:

Labcorp Genetics (formerly Invitae), Labcorp
Classification: Uncertain significance. Last evaluated: 2022-04-25. Review status: criteria provided, single submitter. Criteria: Invitae Variant Classification Sherloc (09022015). Collection method: clinical testing. Allele origin: germline.
Comment: In summary, the available evidence is currently insufficient to determine the role of this variant in disease. Therefore, it has been classified as a Variant of Uncertain Significance. Algorithms developed to predict the effect of missense changes on protein structure and function are either unavailable or do not agree on the potential impact of this missense change (SIFT: "Tolerated"; PolyPhen-2: "Probably Damaging"; Align-GVGD: "Class C0"). This variant has not been reported in the literature in individuals affected with PAX1-related conditions. This variant is not present in population databases (gnomAD no frequency). This sequence change replaces tryptophan, which is neutral and slightly polar, with glycine, which is neutral and non-polar, at codon 286 of the PAX1 protein (p.Trp286Gly).